The following is an entry in ClinVar:

ClinVar aggregate classification (germline): Likely benign. Review status: criteria provided, multiple submitters, no conflicts (2 of 4 stars). 2 submissions from 2 submitters: Likely benign (2). Last evaluated 2026-05-13.

Conditions:
UNC45A-related disorder. Also called: UNC45A-related condition.

gnomAD v4.1: 4 of 1,609,016 alleles (0.00025%); highest among the groups gnomAD compares: Admixed American, 0.005%; no homozygotes.

Submissions (2):

PreventionGenetics, part of Exact Sciences
Classification: Likely benign for UNC45A-related condition. Last evaluated: 2026-05-13. Review status: criteria provided, single submitter. Criteria: ACMG Guidelines, 2015. Collection method: clinical testing. Allele origin: germline.
Comment: This variant is classified as likely benign based on ACMG/AMP sequence variant interpretation guidelines (Richards et al. 2015 PMID: 25741868, with internal and published modifications).

Labcorp Genetics (formerly Invitae), Labcorp
Classification: Likely benign. Last evaluated: 2025-09-09. Review status: criteria provided, single submitter. Criteria: Invitae Variant Classification Sherloc (09022015). Collection method: clinical testing. Allele origin: germline.

NM_018671.5(UNC45A):c.876G>A (p.Lys292=)

Gene: UNC45A (unc-45 myosin chaperone A; plus strand). Cytogenetic location: 15q26.1.
Variant type: single nucleotide variant.
Coding change: c.876G>A on transcript NM_018671.5 (MANE Select); coding-DNA position 876, G replaced by A.
Protein change: p.Lys292=; no amino-acid change (lysine 292 retained).
Molecular consequence: synonymous variant.
Genome position (GRCh38, 1-based): chr15:90,942,931, G>A. VCF-style: chr15-90942931-G-A. GRCh37 (hg19) VCF-style: chr15-91486161-G-A.
Other names: c.831G>A, p.Lys277= (NM_001039675.2, NM_001323621.2); c.876G>A, p.Lys292= (NM_001323619.1); c.441G>A, p.Lys147= (NM_001323620.2).
Identifiers: ClinVar variation 4704707 (VCV004704707.2).